The following is an entry in ClinVar:

NM_000039.3(APOA1):c.158A>G (p.Tyr53Cys)

Genes: APOA1 (apolipoprotein A1; minus strand), APOA1-AS (APOA1 antisense RNA; plus strand). Cytogenetic location: 11q23.3.
Variant type: single nucleotide variant.
Coding change: c.158A>G on transcript NM_000039.3 (MANE Select); coding-DNA position 158, A replaced by G.
Protein change: p.Tyr53Cys; replaces tyrosine 53 with cysteine.
Molecular consequence: missense variant.
Genome position (GRCh38, 1-based): chr11:116,837,043, T>C on the plus strand (A>G on the coding strand, the complement: APOA1 is on the minus strand). VCF-style: chr11-116837043-T-C. GRCh37 (hg19) VCF-style: chr11-116707759-T-C.
Other names: c.158A>G, p.Tyr53Cys (NM_001318017.2, NM_001318018.2); c.-170A>G (NM_001318021.2); short protein forms Y53C.
Identifiers: ClinVar variation 928927 (VCV000928927.13), dbSNP rs750185173, ClinGen allele CA6289881.
Genomic context (GRCh38, chr11:116,837,043, plus strand): 5'-CCCAGGCTGGGTCCTTACTTTAGCTGTTTTCCCAAGGCGGAGCCTTCAAACTGGGACACA[T>C]AGTCTCTGCCGCTGTCTTTGAGCACATCCACGTACACAGTGGCCAGGTCCTTCACTCGAT-3'
Protein context (NP_000030.1, residues 43-63): VDVLKDSGRD[Tyr53Cys]VSQFEGSALG

ClinVar aggregate classification (germline): Conflicting classifications of pathogenicity. Review status: criteria provided, conflicting classifications (1 of 4 stars). 6 submissions from 6 submitters: Uncertain significance (5); Likely benign (1). Last evaluated 2026-01-19.

Conditions:
Familial amyloid polyneuropathy, Iowa type (AMYLD3). Also called: AMYLOIDOSIS, HEREDITARY SYSTEMIC 3; AMYLOIDOSIS, IOWA TYPE; AMYLOIDOSIS, VAN ALLEN TYPE; AMYLOIDOSIS, TYPE III; AMYLOIDOSIS, TYPE IV; Familial amyloid polyneuropathy type III. Identifiers: MedGen C4551500, MONDO:0971008, OMIM 620657.
Hypoalphalipoproteinemia, primary, 2, intermediate. Also called: HYPOALPHALIPOPROTEINEMIA, PRIMARY, 2, AUTOSOMAL DOMINANT. Identifiers: MedGen C5677030, MONDO:0859238, OMIM 619836.
Hypoalphalipoproteinemia, primary, 2. Also called: HIGH DENSITY LIPOPROTEIN DEFICIENCY; HYPOALPHALIPOPROTEINEMIA, PRIMARY, 2, AUTOSOMAL RECESSIVE. Identifiers: MedGen C5551172, MONDO:0032766, OMIM 618463.
APOA1-related disorder. Also called: APOA1-related condition.
Cardiovascular phenotype. Identifiers: MedGen CN230736.

Allele frequency attached by ClinVar (database versions not stated): gnomAD exomes 0.00001 and 0.00002; ExAC 0.00002; gnomAD 0.00006 and 0.00007; TOPMed 0.00017.

Submissions (6):

Labcorp Genetics (formerly Invitae), Labcorp
Classification: Uncertain significance. Last evaluated: 2026-01-19. Review status: criteria provided, single submitter. Criteria: Invitae Variant Classification Sherloc (09022015). Collection method: clinical testing. Allele origin: germline.
Comment: This sequence change replaces tyrosine, which is neutral and polar, with cysteine, which is neutral and slightly polar, at codon 53 of the APOA1 protein (p.Tyr53Cys). This variant is present in population databases (rs750185173, gnomAD 0.009%). This variant has not been reported in the literature in individuals affected with APOA1-related conditions. ClinVar contains an entry for this variant (Variation ID: 928927). Invitae Evidence Modeling of protein sequence and biophysical properties (such as structural, functional, and spatial information, amino acid conservation, physicochemical variation, residue mobility, and thermodynamic stability) has been performed for this missense variant. However, the output from this modeling did not meet the statistical confidence thresholds required to predict the impact of this variant on APOA1 protein function. In summary, the available evidence is currently insufficient to determine the role of this variant in disease. Therefore, it has been classified as a Variant of Uncertain Significance.

Blueprint Genetics
Classification: Likely benign. Last evaluated: 2024-07-01. Review status: criteria provided, single submitter. Criteria: ACMG Guidelines, 2015. Collection method: clinical testing. Allele origin: germline.

Fulgent Genetics
Classification: Uncertain significance for Hypoalphalipoproteinemia, primary, 2; Hypoalphalipoproteinemia, primary, 2, intermediate; Familial amyloid polyneuropathy, Iowa type. Last evaluated: 2024-05-31. Review status: criteria provided, single submitter. Criteria: ACMG Guidelines, 2015. Collection method: clinical testing. Allele origin: germline.

Ambry Genetics
Classification: Uncertain significance for Cardiovascular phenotype. Last evaluated: 2023-06-28. Review status: criteria provided, single submitter. Criteria: Ambry Variant Classification Scheme 2023. Collection method: clinical testing. Allele origin: germline.

PreventionGenetics, part of Exact Sciences
Classification: Uncertain significance for APOA1-related condition. Last evaluated: 2022-10-19. Review status: criteria provided, single submitter. Criteria: ACMG Guidelines, 2015. Collection method: clinical testing. Allele origin: germline.
Comment: The APOA1 c.158A>G variant is predicted to result in the amino acid substitution p.Tyr53Cys. To our knowledge, this variant has not been reported in the literature. This variant is reported in 0.0085% of alleles in individuals of Latino descent in gnomAD. At this time, the clinical significance of this variant is uncertain due to the absence of conclusive functional and genetic evidence.

Women's Health and Genetics/Laboratory Corporation of America, LabCorp
Classification: Uncertain significance. Last evaluated: 2019-10-29. Review status: criteria provided, single submitter. Criteria: LabCorp Variant Classification Summary - May 2015. Collection method: clinical testing. Allele origin: germline.
Comment: Variant summary: APOA1 c.158A>G (p.Tyr53Cys) results in a non-conservative amino acid change in the encoded protein sequence. Four of five in-silico tools predict a benign effect of the variant on protein function. The variant allele was found at a frequency of 2e-05 in 251434 control chromosomes. The available data on variant occurrences in the general population are insufficient to allow any conclusion about variant significance. The LOVD database has reported a classification of this variant as likely benign without evidence for independent evaluation. To our knowledge, no occurrence of c.158A>G in individuals affected with Cardiomyopathy and no experimental evidence demonstrating its impact on protein function have been reported. No clinical diagnostic laboratories have submitted clinical-significance assessments for this variant to ClinVar after 2014. Based on the evidence outlined above, the variant was classified as uncertain significance.